The following is an entry in ClinVar:

NM_000388.4(CASR):c.650A>G (p.Asp217Gly)

Gene: CASR (calcium sensing receptor; plus strand). Cytogenetic location: 3q21.1.
Variant type: single nucleotide variant.
Coding change: c.650A>G on transcript NM_000388.4 (MANE Select); coding-DNA position 650, A replaced by G.
Protein change: p.Asp217Gly; replaces aspartic acid 217 with glycine.
Molecular consequence: missense variant.
Genome position (GRCh38, 1-based): chr3:122,261,685, A>G. VCF-style: chr3-122261685-A-G. GRCh37 (hg19) VCF-style: chr3-121980532-A-G.
Other names: c.650A>G, p.Asp217Gly (NM_001178065.2); short protein forms D217G.
Identifiers: ClinVar variation 279732 (VCV000279732.4), dbSNP rs886041155, ClinGen allele CA10602862.
Genomic context (GRCh38, chr3:122,261,685, plus strand): 5'-TGGCAGACATCATCGAGTATTTCCGCTGGAACTGGGTGGGCACAATTGCAGCTGATGACG[A>G]CTATGGGCGGCCGGGGATTGAGAAATTCCGAGAGGAAGCTGAGGAAAGGGATATCTGCAT-3'
Protein context (NP_000379.3, residues 207-227): NWVGTIAADD[Asp217Gly]YGRPGIEKFR

ClinVar aggregate classification (germline): Uncertain significance. Review status: criteria provided, multiple submitters, no conflicts (2 of 4 stars). 2 submissions from 2 submitters: Uncertain significance (2). Last evaluated 2024-03-05.

Conditions:
Autosomal dominant hypocalcemia 1 (HYPOC1). Also called: HYPOCALCEMIA, FAMILIAL. Identifiers: MedGen C3715128, MONDO:0011013, OMIM 601198.
Familial hypocalciuric hypercalcemia (FHH). Also called: Familial benign hypercalcemia. Identifiers: Orphanet 405, MedGen C1809471, MONDO:0018458.

Submissions (2):

Labcorp Genetics (formerly Invitae), Labcorp
Classification: Uncertain significance for Familial hypocalciuric hypercalcemia; Autosomal dominant hypocalcemia 1. Last evaluated: 2024-03-05. Review status: criteria provided, single submitter. Criteria: Invitae Variant Classification Sherloc (09022015). Collection method: clinical testing. Allele origin: germline.
Comment: This sequence change replaces aspartic acid, which is acidic and polar, with glycine, which is neutral and non-polar, at codon 217 of the CASR protein (p.Asp217Gly). This variant is not present in population databases (gnomAD no frequency). This variant has not been reported in the literature in individuals affected with CASR-related conditions. ClinVar contains an entry for this variant (Variation ID: 279732). An algorithm developed to predict the effect of missense changes on protein structure and function (PolyPhen-2) suggests that this variant is likely to be tolerated. In summary, the available evidence is currently insufficient to determine the role of this variant in disease. Therefore, it has been classified as a Variant of Uncertain Significance.

GeneDx
Classification: Uncertain significance. Last evaluated: 2015-06-04. Review status: criteria provided, single submitter. Criteria: GeneDx Variant Classification (06012015). Collection method: clinical testing. Allele origin: germline. Affected: yes.
Comment: To our knowledge, the D217G variant has not been published as a pathogenic variant, nor has it been reported as a benign polymorphism to our knowledge. It was not observed in approximately 6,500 individuals of European and African American ancestry in the NHLBI Exome Sequencing Project, indicating it is not a common benign variant in these populations. D217G is a non-conservative amino acid substitution, which is likely to impact secondary protein structure as these residues differ in polarity, charge, size and/or other properties. This substitution occurs at a position that is conserved across species. In silico analysis is inconsistent in its predictions as to whether or not the variant is damaging to the protein structure/function. Missense variants in nearby residues (W208S/C, I212T/S, A213E, D215G, Y218H/S/C, R220W/Q/P, P221S/Q/L, K225T, and R227L/Q) have been reported in the Human Gene Mutation Database in association with CASR-related disorders (Stenson et al., 2014), supporting the functional importance of this region of the protein. Therefore, based on the currently available information, it is unclear whether this variant is a pathogenic or a rare benign variant